The following is an entry in ClinVar:

NM_001846.4(COL4A2):c.4292G>A (p.Arg1431His)

Genes: COL4A2 (collagen type IV alpha 2 chain; plus strand), COL4A2-AS1 (COL4A2 antisense RNA 1; minus strand). Cytogenetic location: 13q34.
Variant type: single nucleotide variant.
Coding change: c.4292G>A on transcript NM_001846.4 (MANE Select); coding-DNA position 4292, G replaced by A.
Protein change: p.Arg1431His; replaces arginine 1431 with histidine.
Molecular consequence: missense variant.
Genome position (GRCh38, 1-based): chr13:110,504,154, G>A. VCF-style: chr13-110504154-G-A. GRCh37 (hg19) VCF-style: chr13-111156501-G-A.
Other names: c.4292G>A (NM_001846.2); short protein forms R1431H.
Identifiers: ClinVar variation 3610281 (VCV003610281.3).

ClinVar aggregate classification (germline): Uncertain significance. Review status: criteria provided, multiple submitters, no conflicts (2 of 4 stars). 2 submissions from 2 submitters: Uncertain significance (2). Last evaluated 2026-03-17.

gnomAD v4.1: 22 of 1,613,968 alleles (0.0014%); highest among the groups gnomAD compares: East Asian, 0.025%; no homozygotes.

Submissions (2):

GeneDx
Classification: Uncertain significance. Last evaluated: 2026-03-17. Review status: criteria provided, single submitter. Criteria: GeneDx Variant Classification Process June 2021. Collection method: clinical testing. Allele origin: germline.
Comment: Reported in a patient with small vessel disease in published literature (PMID: 31719132); In silico analysis supports that this missense variant has a deleterious effect on protein structure/function; This variant is associated with the following publications: (PMID: 31719132)

Labcorp Genetics (formerly Invitae), Labcorp
Classification: Uncertain significance. Last evaluated: 2024-07-23. Review status: criteria provided, single submitter. Criteria: Invitae Variant Classification Sherloc (09022015). Collection method: clinical testing. Allele origin: germline.
Comment: This sequence change replaces arginine, which is basic and polar, with histidine, which is basic and polar, at codon 1431 of the COL4A2 protein (p.Arg1431His). This variant is present in population databases (rs747420947, gnomAD 0.008%). This missense change has been observed in individual(s) with COL4A2-related conditions (PMID: 31719132). Advanced modeling of protein sequence and biophysical properties (such as structural, functional, and spatial information, amino acid conservation, physicochemical variation, residue mobility, and thermodynamic stability) performed at Invitae indicates that this missense variant is not expected to disrupt COL4A2 protein function with a negative predictive value of 95%. In summary, the available evidence is currently insufficient to determine the role of this variant in disease. Therefore, it has been classified as a Variant of Uncertain Significance.

Literature cited by the submitters: PubMed 31719132 (cited by Labcorp Genetics (formerly Invitae), Labcorp).